The following is an entry in ClinVar:

ClinVar aggregate classification (germline): Benign (1 of 4 stars; one submission).

Allele frequency attached by ClinVar (database versions not stated): gnomAD 0.24315 and 0.24778; TOPMed 0.24936; 1000 Genomes Project 0.25879; 1000 Genomes Project 30x 0.25890.
gnomAD v4.1: 37,705 of 152,064 alleles (25%); highest among the groups gnomAD compares: East Asian, 38%; 5,361 homozygotes.

Submission:

GeneDx
Classification: Benign. Last evaluated: 2018-06-14. Review status: criteria provided, single submitter. Criteria: GeneDx Variant Classification (06012015). Collection method: clinical testing. Allele origin: germline. Affected: yes.
Comment: This variant is considered likely benign or benign based on one or more of the following criteria: it is a conservative change, it occurs at a poorly conserved position in the protein, it is predicted to be benign by multiple in silico algorithms, and/or has population frequency not consistent with disease.

NM_000257.4(MYH7):c.1578+243C>T

Gene: MYH7 (myosin heavy chain 7; minus strand). Cytogenetic location: 14q11.2.
Variant type: single nucleotide variant.
Coding change: c.1578+243C>T on transcript NM_000257.4 (MANE Select); 243 bases into the intron after coding-DNA position 1578, C replaced by T.
Molecular consequence: intron variant.
Genome position (GRCh38, 1-based): chr14:23,428,257, G>A on the plus strand (C>T on the coding strand, the complement: MYH7 is on the minus strand). VCF-style: chr14-23428257-G-A. GRCh37 (hg19) VCF-style: chr14-23897466-G-A.
Identifiers: ClinVar variation 667619 (VCV000667619.1), dbSNP rs1951154, ClinGen allele CA15820428.